The following is an entry in ClinVar:

NM_017841.4(SDHAF2):c.156G>T (p.Leu52Phe)

Gene: SDHAF2 (succinate dehydrogenase complex assembly factor 2; plus strand). Cytogenetic location: 11q12.2.
Variant type: single nucleotide variant.
Coding change: c.156G>T on transcript NM_017841.4 (MANE Select); coding-DNA position 156, G replaced by T.
Protein change: p.Leu52Phe; replaces leucine 52 with phenylalanine.
Molecular consequence: missense variant.
Genome position (GRCh38, 1-based): chr11:61,437,744, G>T. VCF-style: chr11-61437744-G-T. GRCh37 (hg19) VCF-style: chr11-61205216-G-T.
Other names: short protein forms L52F.
Identifiers: ClinVar variation 3438739 (VCV003438739.1).

ClinVar aggregate classification (germline): Uncertain significance (1 of 4 stars; one submission).

Conditions:
Hereditary cancer-predisposing syndrome. Also called: Tumor predisposition; Neoplastic Syndromes, Hereditary; Hereditary neoplastic syndrome; Hereditary Cancer Syndrome. Identifiers: Orphanet 140162, MedGen C0027672, MeSH D009386, MONDO:0015356.

gnomAD v4.1: 4 of 1,614,148 alleles (0.00025%); highest among the groups gnomAD compares: Non-Finnish European, 0.00034%; no homozygotes.

Submission:

Ambry Genetics
Classification: Uncertain significance for Hereditary cancer-predisposing syndrome. Last evaluated: 2024-10-14. Review status: criteria provided, single submitter. Criteria: Ambry Variant Classification Scheme 2023. Collection method: clinical testing. Allele origin: germline.
Comment: The p.L52F variant (also known as c.156G>T), located in coding exon 2 of the SDHAF2 gene, results from a G to T substitution at nucleotide position 156. The leucine at codon 52 is replaced by phenylalanine, an amino acid with highly similar properties. This amino acid position is conserved. In addition, the in silico prediction for this alteration is inconclusive. Based on the available evidence, the clinical significance of this variant remains unclear.